The following is an entry in ClinVar:

ClinVar aggregate classification (germline): Uncertain significance (1 of 4 stars; one submission).

Conditions:
THPO-related disorder. Also called: THPO-related condition.

gnomAD v4.1: 5 of 1,611,986 alleles (0.00031%); highest among the groups gnomAD compares: East Asian, 0.0022%; no homozygotes.

Submission:

PreventionGenetics, part of Exact Sciences
Classification: Uncertain significance for THPO-related condition. Last evaluated: 2025-10-25. Review status: criteria provided, single submitter. Criteria: ACMG Guidelines, 2015. Collection method: clinical testing. Allele origin: germline.
Comment: The THPO c.889A>C variant is predicted to result in the amino acid substitution p.Thr297Pro. To our knowledge, this variant has not been reported in the literature or in a large population database (gnomAD), indicating this variant is rare. At this time, the clinical significance of this variant is uncertain due to the absence of conclusive functional and genetic evidence.

NM_000460.4(THPO):c.889A>C (p.Thr297Pro)

Gene: THPO (thrombopoietin; minus strand). Cytogenetic location: 3q27.1.
Variant type: single nucleotide variant.
Coding change: c.889A>C on transcript NM_000460.4 (MANE Select); coding-DNA position 889, A replaced by C.
Protein change: p.Thr297Pro; replaces threonine 297 with proline.
Molecular consequence: missense variant.
Genome position (GRCh38, 1-based): chr3:184,372,686, T>G on the plus strand (A>C on the coding strand, the complement: THPO is on the minus strand). VCF-style: chr3-184372686-T-G. GRCh37 (hg19) VCF-style: chr3-184090474-T-G.
Other names: c.877A>C, p.Thr293Pro (NM_001177597.2, NM_001290022.1); c.872A>C, p.Asn291Thr (NM_001177598.2, NM_001290026.1); c.773A>C, p.Asn258Thr (NM_001289997.1, NM_001290027.1); c.889A>C, p.Thr297Pro (NM_001289998.1, NM_001290028.1); c.1309A>C, p.Thr437Pro (NM_001290003.1); short protein forms T293P, N258T, T297P, N291T, T437P.
Identifiers: ClinVar variation 4991777 (VCV004991777.1).